The following is an entry in ClinVar:

ClinVar aggregate classification (germline): Uncertain significance (1 of 4 stars; one submission).

Submission:

GeneDx
Classification: Uncertain significance. Last evaluated: 2019-12-06. Review status: criteria provided, single submitter. Criteria: GeneDx Variant Classification Process June 2021. Collection method: clinical testing. Allele origin: germline. Affected: yes.
Comment: Not observed in large population cohorts (Lek et al., 2016); In silico analysis, which includes protein predictors and evolutionary conservation, supports a deleterious effect; Has not been previously published as pathogenic or benign to our knowledge

NM_001077415.3(CRELD1):c.136T>G (p.Cys46Gly)

Gene: CRELD1 (cysteine rich with EGF like domains 1; plus strand). Cytogenetic location: 3p25.3.
Variant type: single nucleotide variant.
Coding change: c.136T>G on transcript NM_001077415.3 (MANE Select); coding-DNA position 136, T replaced by G.
Protein change: p.Cys46Gly; replaces cysteine 46 with glycine.
Molecular consequence: missense variant. On other transcripts: non-coding transcript variant (3).
Genome position (GRCh38, 1-based): chr3:9,934,574, T>G. VCF-style: chr3-9934574-T-G. GRCh37 (hg19) VCF-style: chr3-9976258-T-G.
Other names: c.136T>G, p.Cys46Gly (NM_001031717.4, NM_001374316.1, NM_001374317.1 and 4 more transcripts); short protein forms C46G.
Identifiers: ClinVar variation 1311086 (VCV001311086.2), dbSNP rs2125328927, ClinGen allele CA351711258.
Genomic context (GRCh38, chr3:9,934,574, plus strand): 5'-CCTATCTGGCTCCAGCCCTCTCCACCTCCCCAGTCTTCTCCCCCGCCTCAGCCCCATCCG[T>G]GTCATACCTGCCGGGGACTGGTTGACAGCTTTAACAAGGTGGGTGCACCGGCAGCCTCGT-3'
Protein context (NP_001070883.2, residues 36-56): QSSPPPQPHP[Cys46Gly]HTCRGLVDSF